The following is an entry in ClinVar:

ClinVar aggregate classification (germline): Uncertain significance. Review status: criteria provided, multiple submitters, no conflicts (2 of 4 stars). 2 submissions from 2 submitters: Uncertain significance (2). Last evaluated 2024-10-15.

Conditions:
Inborn genetic diseases. Identifiers: MedGen C0950123, MeSH D030342.

gnomAD v4.1: 3 of 1,604,558 alleles (0.00019%); highest among the groups gnomAD compares: Non-Finnish European, 0.000085%; no homozygotes.

Submissions (2):

Labcorp Genetics (formerly Invitae), Labcorp
Classification: Uncertain significance. Last evaluated: 2024-10-15. Review status: criteria provided, single submitter. Criteria: Invitae Variant Classification Sherloc (09022015). Collection method: clinical testing. Allele origin: germline.
Comment: This sequence change replaces methionine, which is neutral and non-polar, with threonine, which is neutral and polar, at codon 301 of the ROR2 protein (p.Met301Thr). This variant is not present in population databases (gnomAD no frequency). This variant has not been reported in the literature in individuals affected with ROR2-related conditions. ClinVar contains an entry for this variant (Variation ID: 2556259). Invitae Evidence Modeling of protein sequence and biophysical properties (such as structural, functional, and spatial information, amino acid conservation, physicochemical variation, residue mobility, and thermodynamic stability) indicates that this missense variant is not expected to disrupt ROR2 protein function with a negative predictive value of 80%. In summary, the available evidence is currently insufficient to determine the role of this variant in disease. Therefore, it has been classified as a Variant of Uncertain Significance.

Ambry Genetics
Classification: Uncertain significance for Inborn genetic diseases. Last evaluated: 2023-06-02. Review status: criteria provided, single submitter. Criteria: Ambry Variant Classification Scheme 2023. Collection method: clinical testing. Allele origin: germline.

NM_004560.4(ROR2):c.902T>C (p.Met301Thr)

Gene: ROR2 (receptor tyrosine kinase like orphan receptor 2; minus strand). Cytogenetic location: 9q22.31.
Variant type: single nucleotide variant.
Coding change: c.902T>C on transcript NM_004560.4 (MANE Select); coding-DNA position 902, T replaced by C.
Protein change: p.Met301Thr; replaces methionine 301 with threonine.
Molecular consequence: missense variant.
Genome position (GRCh38, 1-based): chr9:91,733,157, A>G on the plus strand (T>C on the coding strand, the complement: ROR2 is on the minus strand). VCF-style: chr9-91733157-A-G. GRCh37 (hg19) VCF-style: chr9-94495439-A-G.
Other names: c.902T>C, p.Met301Thr (NM_001318204.2); short protein forms M301T.
Identifiers: ClinVar variation 2556259 (VCV002556259.5), dbSNP rs2118699388, ClinGen allele CA373800684.
Genomic context (GRCh38, chr9:91,733,157, plus strand): 5'-CCGCCCCGGGCCCTCGGGCACTCACAGCGGCCCAGCCTCTCGGCTGGGATGCCAATGCGC[A>G]TGCAGTTGGCAGCGTCGGGGCTCTCAGGCATGGGCAGCGCCTCACACTTGGGCAGCTGAA-3'
Protein context (NP_004551.2, residues 291-311): MPESPDAANC[Met301Thr]RIGIPAERLG